The following is an entry in ClinVar:

NM_005060.4(RORC):c.29G>A (p.Arg10Gln)

Gene: RORC (RAR related orphan receptor C; minus strand). Cytogenetic location: 1q21.3.
Variant type: single nucleotide variant.
Coding change: c.29G>A on transcript NM_005060.4 (MANE Select); coding-DNA position 29, G replaced by A.
Protein change: p.Arg10Gln; replaces arginine 10 with glutamine.
Molecular consequence: missense variant.
Genome position (GRCh38, 1-based): chr1:151,831,736, C>T on the plus strand (G>A on the coding strand, the complement: RORC is on the minus strand). VCF-style: chr1-151831736-C-T. GRCh37 (hg19) VCF-style: chr1-151804212-C-T.
Other names: c.29G>A (NM_005060.3); short protein forms R10Q.
Identifiers: ClinVar variation 1368563 (VCV001368563.5), dbSNP rs201874209, ClinGen allele CA1096080.

ClinVar aggregate classification (germline): Uncertain significance. Review status: criteria provided, multiple submitters, no conflicts (2 of 4 stars). 2 submissions from 2 submitters: Uncertain significance (2). Last evaluated 2023-10-05.

Conditions:
Inborn genetic diseases. Identifiers: MedGen C0950123, MeSH D030342.
Autosomal recessive mendelian susceptibility to mycobacterial diseases due to complete RORgamma receptor deficiency. Also called: Immunodeficiency 42. Identifiers: Orphanet 477857, MedGen C5567647, MONDO:0014710, OMIM 616622.

Allele frequency attached by ClinVar (database versions not stated): gnomAD 0.00001 and 0.00002; TOPMed 0.00003; ExAC 0.00010; gnomAD exomes 0.00011.
gnomAD v4.1: 81 of 1,610,620 alleles (0.005%); highest among the groups gnomAD compares: South Asian, 0.043%; no homozygotes.

Submissions (2):

Labcorp Genetics (formerly Invitae), Labcorp
Classification: Uncertain significance for Autosomal recessive mendelian susceptibility to mycobacterial diseases due to complete RORgamma receptor deficiency. Last evaluated: 2023-10-05. Review status: criteria provided, single submitter. Criteria: Invitae Variant Classification Sherloc (09022015). Collection method: clinical testing. Allele origin: germline.
Comment: This sequence change replaces arginine, which is basic and polar, with glutamine, which is neutral and polar, at codon 10 of the RORC protein (p.Arg10Gln). This variant is present in population databases (rs201874209, gnomAD 0.05%). This variant has not been reported in the literature in individuals affected with RORC-related conditions. ClinVar contains an entry for this variant (Variation ID: 1368563). Algorithms developed to predict the effect of missense changes on protein structure and function output the following: SIFT: "Not Available"; PolyPhen-2: "Benign"; Align-GVGD: "Not Available". The glutamine amino acid residue is found in multiple mammalian species, which suggests that this missense change does not adversely affect protein function. In summary, the available evidence is currently insufficient to determine the role of this variant in disease. Therefore, it has been classified as a Variant of Uncertain Significance.

Ambry Genetics
Classification: Uncertain significance for Inborn genetic diseases. Last evaluated: 2022-07-20. Review status: criteria provided, single submitter. Criteria: Ambry Variant Classification Scheme 2023. Collection method: clinical testing. Allele origin: germline.